The following is an entry in ClinVar:

NM_004423.4(DVL3):c.1552C>T (p.Gln518Ter)

Gene: DVL3 (dishevelled segment polarity protein 3; plus strand). Cytogenetic location: 3q27.1.
Variant type: single nucleotide variant.
Coding change: c.1552C>T on transcript NM_004423.4 (MANE Select); coding-DNA position 1552, C replaced by T.
Protein change: p.Gln518Ter; replaces glutamine 518 with a stop codon.
Molecular consequence: nonsense.
Genome position (GRCh38, 1-based): chr3:184,170,059, C>T. VCF-style: chr3-184170059-C-T. GRCh37 (hg19) VCF-style: chr3-183887847-C-T.
Other names: short protein forms Q518*.
Identifiers: ClinVar variation 3764584 (VCV003764584.1).

ClinVar aggregate classification (germline): Uncertain significance (1 of 4 stars; one submission).

Conditions:
Autosomal dominant Robinow syndrome 3. Identifiers: Orphanet 3107, Orphanet 97360, MedGen C4225164, MONDO:0014819, OMIM 616894.

Submission:

Daryl Scott Lab, Baylor College of Medicine
Classification: Uncertain significance for Autosomal dominant Robinow syndrome 3. Last evaluated: 2024-01-01. Review status: criteria provided, single submitter. Criteria: ACMG Guidelines, 2015. Collection method: clinical testing. Allele origin: paternal. Observed: 1 heterozygote.
Comment: PP3